The following is an entry in ClinVar:

ClinVar aggregate classification (germline): Likely pathogenic (1 of 4 stars; one submission).

Conditions:
Retinitis pigmentosa 25 (RP25). Identifiers: Orphanet 791, MedGen C1864446, MONDO:0011272, OMIM 602772.

Submission:

Natera, Inc.
Classification: Likely pathogenic for Retinitis pigmentosa type 25. Last evaluated: 2026-01-08. Review status: criteria provided, single submitter. Criteria: Natera Variant Classification Schema (03/2026). Collection method: clinical testing. Allele origin: germline.
Comment: The c.9386T>G variant in EYS is a nonsense variant predicted to introduce a stop codon at amino acid 3129. This variant is expected to result in nonsense mediated decay, truncation, or a dysfunctional protein product. This variant is rare in the general population with a frequency below the threshold expected for the associated phenotype(s). Given the available evidence, this variant is classified as Likely Pathogenic.

NM_001142800.2(EYS):c.9386T>G (p.Leu3129Ter)

Genes: EYS (EGF-like photoreceptor maintenance factor; minus strand), PHF3 (PHD finger protein 3; plus strand). Cytogenetic location: 6q12.
Variant type: single nucleotide variant.
Coding change: c.9386T>G on transcript NM_001142800.2 (MANE Select); coding-DNA position 9386, T replaced by G.
Protein change: p.Leu3129Ter; replaces leucine 3129 with a stop codon.
Molecular consequence: nonsense. On other transcripts: 3 prime UTR variant (5).
Genome position (GRCh38, 1-based): chr6:63,720,645, A>C on the plus strand (T>G on the coding strand, the complement: EYS is on the minus strand). VCF-style: chr6-63720645-A-C. GRCh37 (hg19) VCF-style: chr6-64430541-A-C.
Other names: c.*6937A>C (NM_001290259.2, NM_001370348.2, NM_001370349.2 and 2 more transcripts); c.9449T>G, p.Leu3150Ter (NM_001292009.2); short protein forms L3129*, L3150*.
Identifiers: ClinVar variation 4814669 (VCV004814669.1).